The following is an entry in ClinVar:

NM_000533.5(PLP1):c.416_417del (p.Cys139fs)

Genes: RAB9B (RAB9B, member RAS oncogene family; minus strand), PLP1 (proteolipid protein 1; plus strand). Cytogenetic location: Xq22.2.
Variant type: Microsatellite.
Coding change: c.416_417del on transcript NM_000533.5 (MANE Select); coding-DNA positions 416 to 417, 2 bases deleted (GT; older notation c.416_417delGT).
Protein change: p.Cys139fs; shifts the reading frame from cysteine 139.
Molecular consequence: frameshift variant. On other transcripts: intron variant (1).
Genome position (GRCh38, 1-based): chrX:103,786,689-103,786,690, GT deleted; deleting any 2 consecutive bases within chrX:103,786,685-103,786,690 gives the same sequence; the c. name uses the placement nearest the transcript's 3' end. VCF-style (leftmost placement, unchanged base first): chrX-103786684-GGT-G. GRCh37 (hg19) VCF-style: chrX-103041613-GGT-G.
Other names: c.416_417del, p.Cys139fs (NM_001128834.3); c.251_252del, p.Cys84fs (NM_001305004.1); c.348+64GT[2] (NM_199478.3); short protein forms C139fs, C84fs.
Identifiers: ClinVar variation 1388919 (VCV001388919.6), dbSNP rs2147764567, ClinGen allele CA2580612452.
Genomic context (GRCh38, chrX:103,786,684, plus strand): 5'-AACAGGGGGCCAGAAGGGGAGGGGTTCCAGAGGCCAACATCAAGCTCATTCTTTGGAGCG[GGT>G]GTGTCATTGTTTGGGAAAATGGCTAGGACATCCCGACAAGGTGATCATCCTCAGGATTTT-3'

ClinVar aggregate classification (germline): Pathogenic (1 of 4 stars; one submission).

Conditions:
Hereditary spastic paraplegia 2 (SPG2). Also called: SPASTIC PARAPLEGIA 2, X-LINKED; Spastic Paraplegia 2 (SPG2). Identifiers: Orphanet 99015, MedGen C0751604, MONDO:0010733, OMIM 312920.

Submission:

Labcorp Genetics (formerly Invitae), Labcorp
Classification: Pathogenic for Hereditary spastic paraplegia 2. Last evaluated: 2022-12-06. Review status: criteria provided, single submitter. Criteria: Invitae Variant Classification Sherloc (09022015). Collection method: clinical testing. Allele origin: germline.
Comment: For these reasons, this variant has been classified as Pathogenic. This variant has not been reported in the literature in individuals affected with PLP1-related conditions. This variant is not present in population databases (gnomAD no frequency). This sequence change creates a premature translational stop signal (p.Cys139Serfs*64) in the PLP1 gene. It is expected to result in an absent or disrupted protein product. Loss-of-function variants in PLP1 are known to be pathogenic (PMID: 18470932).

Literature cited by the submitters: PubMed 18470932.